The following is an entry in ClinVar:

ClinVar aggregate classification (germline): Uncertain significance (1 of 4 stars; one submission).

Submission:

GeneDx
Classification: Uncertain significance. Last evaluated: 2023-12-07. Review status: criteria provided, single submitter. Criteria: GeneDx Variant Classification Process June 2021. Collection method: clinical testing. Allele origin: germline. Affected: yes.
Comment: Has not been previously published as pathogenic or benign to our knowledge; In silico analysis supports that this missense variant does not alter protein structure/function; Not observed at significant frequency in large population cohorts (gnomAD)

NM_015570.4(AUTS2):c.790G>T (p.Ala264Ser)

Gene: AUTS2 (activator of transcription and developmental regulator AUTS2; plus strand). Cytogenetic location: 7q11.22.
Variant type: single nucleotide variant.
Coding change: c.790G>T on transcript NM_015570.4 (MANE Select); coding-DNA position 790, G replaced by T.
Protein change: p.Ala264Ser; replaces alanine 264 with serine.
Molecular consequence: missense variant.
Genome position (GRCh38, 1-based): chr7:70,762,917, G>T. VCF-style: chr7-70762917-G-T. GRCh37 (hg19) VCF-style: chr7-70227903-G-T.
Other names: c.790G>T, p.Ala264Ser (NM_001127231.3); short protein forms A264S.
Identifiers: ClinVar variation 3341025 (VCV003341025.1).